The following is an entry in ClinVar:

ClinVar aggregate classification (germline): Uncertain significance (1 of 4 stars; one submission).

Allele frequency attached by ClinVar (database versions not stated): TOPMed below 0.00001.
gnomAD v4.1: 2 of 1,604,274 alleles (0.00012%); highest among the groups gnomAD compares: Non-Finnish European, 0.00017%; no homozygotes.

Submission:

Labcorp Genetics (formerly Invitae), Labcorp
Classification: Uncertain significance. Last evaluated: 2025-06-09. Review status: criteria provided, single submitter. Criteria: Invitae Variant Classification Sherloc (09022015). Collection method: clinical testing. Allele origin: germline.
Comment: This sequence change replaces glycine, which is neutral and non-polar, with valine, which is neutral and non-polar, at codon 211 of the TNNI3K protein (p.Gly211Val). This variant is present in population databases (no rsID available, gnomAD 0.002%). This variant has not been reported in the literature in individuals affected with TNNI3K-related conditions. ClinVar contains an entry for this variant (Variation ID: 2869881). Invitae Evidence Modeling of protein sequence and biophysical properties (such as structural, functional, and spatial information, amino acid conservation, physicochemical variation, residue mobility, and thermodynamic stability) indicates that this missense variant is not expected to disrupt TNNI3K protein function with a negative predictive value of 80%. In summary, the available evidence is currently insufficient to determine the role of this variant in disease. Therefore, it has been classified as a Variant of Uncertain Significance.

NM_015978.3(TNNI3K):c.632G>T (p.Gly211Val)

Genes: FPGT-TNNI3K (FPGT-TNNI3K readthrough; plus strand), TNNI3K (TNNI3 interacting kinase; plus strand). Cytogenetic location: 1p31.1.
Variant type: single nucleotide variant.
Coding change: c.632G>T on transcript NM_015978.3 (MANE Select); coding-DNA position 632, G replaced by T.
Protein change: p.Gly211Val; replaces glycine 211 with valine.
Molecular consequence: missense variant.
Genome position (GRCh38, 1-based): chr1:74,336,099, G>T. VCF-style: chr1-74336099-G-T. GRCh37 (hg19) VCF-style: chr1-74801783-G-T.
Other names: c.935G>T, p.Gly312Val (NM_001112808.3, NM_001199327.2); short protein forms G211V, G312V.
Identifiers: ClinVar variation 2869881 (VCV002869881.3), dbSNP rs760818407, ClinGen allele CA340780402.
Genomic context (GRCh38, chr1:74,336,099, plus strand): 5'-CTGATGTAAATGTAAGTGGTGAAGTTGGAGATAGACCCCTCCACCTAGCATCTGCAAAAG[G>T]ATTCTTGAATATTGCAAAACTCTTGATGGAAGAAGGCAGCAAAGCAGATGGTAAGATTAT-3'
Protein context (NP_057062.1, residues 201-221): DRPLHLASAK[Gly211Val]FLNIAKLLME